The following is an entry in ClinVar:

NM_000037.4(ANK1):c.3983del (p.Lys1328fs)

Gene: ANK1 (ankyrin 1; minus strand). Cytogenetic location: 8p11.21.
Variant type: Deletion.
Coding change: c.3983del on transcript NM_000037.4 (MANE Select); coding-DNA position 3983, one base deleted (A; older notation c.3983delA).
Protein change: p.Lys1328fs; shifts the reading frame from lysine 1328.
Molecular consequence: frameshift variant.
Genome position (GRCh38, 1-based): chr8:41,690,475, T deleted on the plus strand (A on the coding strand, the reverse complement: ANK1 is on the minus strand); the first of 3 consecutive T bases (chr8:41,690,475-41,690,477); deleting any one gives the same sequence. VCF-style (leftmost placement, unchanged base first): chr8-41690474-CT-C. GRCh37 (hg19) VCF-style: chr8-41547992-CT-C.
Other names: c.4106del, p.Lys1369fs (NM_001142446.2); c.3983del, p.Lys1328fs (NM_020475.3, NM_020476.3, NM_020477.3); short protein forms K1369fs, K1328fs.
Identifiers: ClinVar variation 2842198 (VCV002842198.3), dbSNP rs2486750157, ClinGen allele CA2739278553.

ClinVar aggregate classification (germline): Pathogenic (1 of 4 stars; one submission).

Submission:

Labcorp Genetics (formerly Invitae), Labcorp
Classification: Pathogenic. Last evaluated: 2023-03-02. Review status: criteria provided, single submitter. Criteria: Invitae Variant Classification Sherloc (09022015). Collection method: clinical testing. Allele origin: germline.
Comment: This sequence change creates a premature translational stop signal (p.Lys1328Argfs*2) in the ANK1 gene. It is expected to result in an absent or disrupted protein product. Loss-of-function variants in ANK1 are known to be pathogenic (PMID: 8640229). This variant is not present in population databases (gnomAD no frequency). This variant has not been reported in the literature in individuals affected with ANK1-related conditions. Algorithms developed to predict the effect of sequence changes on RNA splicing suggest that this variant may create or strengthen a splice site. For these reasons, this variant has been classified as Pathogenic.

Literature cited by the submitters: PubMed 8640229.